The following is an entry in ClinVar:

ClinVar aggregate classification (germline): Conflicting classifications of pathogenicity. Review status: criteria provided, conflicting classifications (1 of 4 stars). 2 submissions from 2 submitters: Likely pathogenic (1); Uncertain significance (1). Last evaluated 2024-06-17.

Conditions:
Bethlem myopathy 2 (BTHLM2). Identifiers: Orphanet 536516, Orphanet 610, MedGen C4225313, MONDO:0034022, OMIM 616471.
Ullrich congenital muscular dystrophy 2 (UCMD2). Identifiers: Orphanet 75840, MedGen C4225314, MONDO:0014654, OMIM 616470.

Allele frequency attached by ClinVar (database versions not stated): gnomAD exomes below 0.00001.
gnomAD v4.1: 1 of 1,613,850 alleles (0.000062%); highest among the groups gnomAD compares: Non-Finnish European, 0.000085%; no homozygotes.

Submissions (2):

Labcorp Genetics (formerly Invitae), Labcorp
Classification: Uncertain significance for Bethlem myopathy 2; Ullrich congenital muscular dystrophy 2. Last evaluated: 2024-06-17. Review status: criteria provided, single submitter. Criteria: Invitae Variant Classification Sherloc (09022015). Collection method: clinical testing. Allele origin: germline.
Comment: This sequence change creates a premature translational stop signal (p.Gln745*) in the COL12A1 gene. Multiple COL12A1 isoforms have been reported, and the functional impact of this variant is uncertain (PMID: 8601036). This variant is not present in population databases (gnomAD no frequency). This variant has not been reported in the literature in individuals affected with COL12A1-related conditions. ClinVar contains an entry for this variant (Variation ID: 450540). Experimental studies and prediction algorithms are not available or were not evaluated, and the functional significance of this variant is currently unknown. In summary, the available evidence is currently insufficient to determine the role of this variant in disease. Therefore, it has been classified as a Variant of Uncertain Significance.

GeneDx
Classification: Likely pathogenic. Last evaluated: 2019-12-04. Review status: criteria provided, single submitter. Criteria: GeneDx Variant Classification Process June 2021. Collection method: clinical testing. Allele origin: germline. Affected: yes.
Comment: Nonsense variant predicted to result in protein truncation or nonsense mediated decay in a gene for which loss-of-function is a known mechanism of disease; Not observed in large population cohorts (Lek et al., 2016); Has not been previously published as pathogenic or benign to our knowledge

Literature cited by the submitters: PubMed 8601036 (cited by Labcorp Genetics (formerly Invitae), Labcorp).

NM_004370.6(COL12A1):c.2233C>T (p.Gln745Ter)

Gene: COL12A1 (collagen type XII alpha 1 chain; minus strand). Cytogenetic location: 6q13.
Variant type: single nucleotide variant.
Coding change: c.2233C>T on transcript NM_004370.6 (MANE Select); coding-DNA position 2233, C replaced by T.
Protein change: p.Gln745Ter; replaces glutamine 745 with a stop codon.
Molecular consequence: nonsense. On other transcripts: intron variant (1).
Genome position (GRCh38, 1-based): chr6:75,177,867, G>A on the plus strand (C>T on the coding strand, the complement: COL12A1 is on the minus strand). VCF-style: chr6-75177867-G-A. GRCh37 (hg19) VCF-style: chr6-75887583-G-A.
Other names: c.73+24853C>T (NM_080645.3); short protein forms Q745*.
Identifiers: ClinVar variation 450540 (VCV000450540.6), dbSNP rs1554186583, ClinGen allele CA364764338.